The following is an entry in ClinVar:

ClinVar aggregate classification (germline): Pathogenic (1 of 4 stars; one submission).

Submission:

GeneDx
Classification: Pathogenic. Last evaluated: 2021-02-11. Review status: criteria provided, single submitter. Criteria: GeneDx Variant Classification Process June 2021. Collection method: clinical testing. Allele origin: germline. Affected: yes.
Comment: Reported previously in an individual with EBS (Kim et al., 2017); Not observed in large population cohorts (Lek et al., 2016); In silico analysis, which includes protein predictors and evolutionary conservation, supports a deleterious effect; This variant is associated with the following publications: (PMID: 28561874)

NM_000526.5(KRT14):c.385T>C (p.Tyr129His)

Gene: KRT14 (keratin 14; minus strand). Cytogenetic location: 17q21.2.
Variant type: single nucleotide variant.
Coding change: c.385T>C on transcript NM_000526.5 (MANE Select); coding-DNA position 385, T replaced by C.
Protein change: p.Tyr129His; replaces tyrosine 129 with histidine.
Molecular consequence: missense variant.
Genome position (GRCh38, 1-based): chr17:41,586,450, A>G on the plus strand (T>C on the coding strand, the complement: KRT14 is on the minus strand). VCF-style: chr17-41586450-A-G. GRCh37 (hg19) VCF-style: chr17-39742702-A-G.
Other names: short protein forms Y129H.
Identifiers: ClinVar variation 1198508 (VCV001198508.2), dbSNP rs60470268, ClinGen allele CA399482483.